The following is an entry in ClinVar:

ClinVar aggregate classification (germline): Pathogenic (1 of 4 stars; one submission).

Conditions:
Hereditary spastic paraplegia 11. Also called: SPASTIC PARAPLEGIA, AUTOSOMAL RECESSIVE, COMPLICATED, WITH THIN CORPUS CALLOSUM; SPASTIC PARAPLEGIA, AUTOSOMAL RECESSIVE, WITH MENTAL IMPAIRMENT AND THIN CORPUS CALLOSUM; Nakamura Osame syndrome; Autosomal recessive hereditary spastic paraplegia, mental impairment, and thin corpus callosum; Spastic paraplegia, mental retardation and thin corpus callosum; Spastic Paraplegia 11. Identifiers: Orphanet 2822, MedGen C1858479, MONDO:0011445, OMIM 604360.

Submission:

Labcorp Genetics (formerly Invitae), Labcorp
Classification: Pathogenic for Hereditary spastic paraplegia 11. Last evaluated: 2022-06-20. Review status: criteria provided, single submitter. Criteria: Invitae Variant Classification Sherloc (09022015). Collection method: clinical testing. Allele origin: germline.
Comment: For these reasons, this variant has been classified as Pathogenic. Algorithms developed to predict the effect of sequence changes on RNA splicing suggest that this variant may disrupt the consensus splice site. ClinVar contains an entry for this variant (Variation ID: 1072750). This variant has not been reported in the literature in individuals affected with SPG11-related conditions. This variant is not present in population databases (gnomAD no frequency). This sequence change creates a premature translational stop signal (p.Gln1541*) in the SPG11 gene. It is expected to result in an absent or disrupted protein product. Loss-of-function variants in SPG11 are known to be pathogenic (PMID: 19105190, 20110243, 22154821, 26556829).

Literature cited by the submitters: PubMed 19105190; PubMed 20110243; PubMed 22154821; PubMed 26556829.

NM_025137.4(SPG11):c.4621C>T (p.Gln1541Ter)

Gene: SPG11 (SPG11 vesicle trafficking associated, spatacsin; minus strand). Cytogenetic location: 15q21.1.
Variant type: single nucleotide variant.
Coding change: c.4621C>T on transcript NM_025137.4 (MANE Select); coding-DNA position 4621, C replaced by T.
Protein change: p.Gln1541Ter; replaces glutamine 1541 with a stop codon.
Molecular consequence: nonsense.
Genome position (GRCh38, 1-based): chr15:44,595,273, G>A on the plus strand (C>T on the coding strand, the complement: SPG11 is on the minus strand). VCF-style: chr15-44595273-G-A. GRCh37 (hg19) VCF-style: chr15-44887471-G-A.
Other names: c.4621C>T, p.Gln1541Ter (NM_001160227.2); short protein forms Q1541*.
Identifiers: ClinVar variation 1072750 (VCV001072750.7), dbSNP rs2140969609, ClinGen allele CA392225965.